The following is an entry in ClinVar:

ClinVar aggregate classification (germline): Likely pathogenic (1 of 4 stars; one submission).

Conditions:
Epilepsy, childhood absence, susceptibility to, 5. Identifiers: Orphanet 64280, MedGen C2677087, MONDO:0012843, OMIM 612269.

Submission:

Baylor Genetics
Classification: Likely pathogenic for Epilepsy, childhood absence 5. Last evaluated: 2014-04-14. Review status: criteria provided, single submitter. Criteria: Yang et al. 2013. Collection method: clinical testing. Allele origin: de novo. Inheritance: Autosomal dominant inheritance. Affected: yes. Observed: 1 variant allele, 1 heterozygote. Study: Adult_WES.

Literature cited by the submitters: PubMed 26633545.

NM_000814.6(GABRB3):c.695G>C (p.Arg232Pro)

Gene: GABRB3 (gamma-aminobutyric acid type A receptor subunit beta3; minus strand). Cytogenetic location: 15q12.
Variant type: single nucleotide variant.
Coding change: c.695G>C on transcript NM_000814.6 (MANE Select); coding-DNA position 695, G replaced by C.
Protein change: p.Arg232Pro; replaces arginine 232 with proline.
Molecular consequence: missense variant.
Genome position (GRCh38, 1-based): chr15:26,567,721, C>G on the plus strand (G>C on the coding strand, the complement: GABRB3 is on the minus strand). VCF-style: chr15-26567721-C-G. GRCh37 (hg19) VCF-style: chr15-26812868-C-G.
Other names: c.440G>C, p.Arg147Pro (NM_001191320.2, NM_001278631.2); c.482G>C, p.Arg161Pro (NM_001191321.3); c.695G>C, p.Arg232Pro (NM_021912.5); short protein forms R232P, R161P, R147P.
Identifiers: ClinVar variation 209156 (VCV000209156.2), dbSNP rs797045045, ClinGen allele CA250348.